The following is an entry in ClinVar:

ClinVar aggregate classification (germline): Pathogenic/Likely pathogenic. Review status: criteria provided, multiple submitters, no conflicts (2 of 4 stars). 2 submissions from 2 submitters: Pathogenic (1); Likely pathogenic (1). Last evaluated 2025-03-04.

Conditions:
Hereditary cancer-predisposing syndrome. Also called: Tumor predisposition; Neoplastic Syndromes, Hereditary; Hereditary Cancer Syndrome; Hereditary neoplastic syndrome. Identifiers: Orphanet 140162, MedGen C0027672, MeSH D009386, MONDO:0015356.

Submissions (2):

Center for Genomic Medicine, Rigshospitalet, Copenhagen University Hospital
Classification: Likely pathogenic. Last evaluated: 2025-03-04. Review status: criteria provided, single submitter. Criteria: ACMG Guidelines, 2015. Collection method: clinical testing. Allele origin: germline.

Ambry Genetics
Classification: Pathogenic for Hereditary cancer-predisposing syndrome. Last evaluated: 2021-06-08. Review status: criteria provided, single submitter. Criteria: Ambry Variant Classification Scheme 2023. Collection method: clinical testing. Allele origin: germline.
Comment: The p.E108* pathogenic mutation (also known as c.322G>T), located in coding exon 2 of the MSH3 gene, results from a G to T substitution at nucleotide position 322. This changes the amino acid from a glutamic acid to a stop codon within coding exon 2. This alteration is expected to result in loss of function by premature protein truncation or nonsense-mediated mRNA decay. As such, this alteration is interpreted as a disease-causing mutation.

NM_002439.5(MSH3):c.322G>T (p.Glu108Ter)

Gene: MSH3 (mutS homolog 3; plus strand). Cytogenetic location: 5q14.1.
Variant type: single nucleotide variant.
Coding change: c.322G>T on transcript NM_002439.5 (MANE Select); coding-DNA position 322, G replaced by T.
Protein change: p.Glu108Ter; replaces glutamic acid 108 with a stop codon.
Molecular consequence: nonsense.
Genome position (GRCh38, 1-based): chr5:80,656,495, G>T. VCF-style: chr5-80656495-G-T. GRCh37 (hg19) VCF-style: chr5-79952314-G-T.
Other names: short protein forms E108*.
Identifiers: ClinVar variation 1729181 (VCV001729181.4), dbSNP rs2112801785, ClinGen allele CA360266439.